The following is an entry in ClinVar:

NM_013266.4(CTNNA3):c.1233A>G (p.Ile411Met)

Gene: CTNNA3 (catenin alpha 3; minus strand). Cytogenetic location: 10q21.3.
Variant type: single nucleotide variant.
Coding change: c.1233A>G on transcript NM_013266.4 (MANE Select); coding-DNA position 1233, A replaced by G.
Protein change: p.Ile411Met; replaces isoleucine 411 with methionine.
Molecular consequence: missense variant.
Genome position (GRCh38, 1-based): chr10:66,766,312, T>C on the plus strand (A>G on the coding strand, the complement: CTNNA3 is on the minus strand). VCF-style: chr10-66766312-T-C. GRCh37 (hg19) VCF-style: chr10-68526070-T-C.
Other names: c.1233A>G, p.Ile411Met (NM_001127384.3); c.1233A>G (NM_013266.2); short protein forms I411M.
Identifiers: ClinVar variation 474815 (VCV000474815.9), dbSNP rs1554848898, ClinGen allele CA377091876.

ClinVar aggregate classification (germline): Uncertain significance. Review status: criteria provided, multiple submitters, no conflicts (2 of 4 stars). 2 submissions from 2 submitters: Uncertain significance (2). Last evaluated 2026-06-27.

Conditions:
Arrhythmogenic right ventricular dysplasia 13. Also called: Arrhythmogenic right ventricular dysplasia, familial, 13; ARRHYTHMOGENIC RIGHT VENTRICULAR CARDIOMYOPATHY 13. Identifiers: MedGen C3810138, MONDO:0000908, OMIM 615616.

Submissions (2):

Ambry Genetics
Classification: Uncertain significance. Last evaluated: 2026-06-27. Review status: criteria provided, single submitter. Criteria: Ambry Variant Classification Scheme 2023. Collection method: clinical testing. Allele origin: germline.
Comment: The p.I411M variant (also known as c.1233A>G), located in coding exon 8 of the CTNNA3 gene, results from an A to G substitution at nucleotide position 1233. The isoleucine at codon 411 is replaced by methionine, an amino acid with highly similar properties. This amino acid position is conserved. In addition, this alteration is predicted to be tolerated by in silico analysis. Based on the available evidence, the clinical significance of this variant remains unclear.

Labcorp Genetics (formerly Invitae), Labcorp
Classification: Uncertain significance for Arrhythmogenic right ventricular dysplasia 13. Last evaluated: 2017-07-24. Review status: criteria provided, single submitter. Criteria: Invitae Variant Classification Sherloc (09022015). Collection method: clinical testing. Allele origin: germline.
Comment: This sequence change replaces isoleucine with methionine at codon 411 of the CTNNA3 protein (p.Ile411Met). The isoleucine residue is moderately conserved and there is a small physicochemical difference between isoleucine and methionine. In summary, the available evidence is currently insufficient to determine the role of this variant in disease. Therefore, it has been classified as a Variant of Uncertain Significance. Algorithms developed to predict the effect of missense changes on protein structure and function output the following: SIFT: "Deleterious"; PolyPhen-2: "Possibly Damaging"; Align-GVGD: "Class C0". The methionine amino acid residue is found in multiple mammalian species, suggesting that this missense change does not adversely affect protein function. These predictions have not been confirmed by published functional studies and their clinical significance is uncertain. This variant has not been reported in the literature in individuals with CTNNA3-related disease. This variant is not present in population databases (ExAC no frequency).